The following is an entry in ClinVar:

ClinVar aggregate classification (germline): Uncertain significance (1 of 4 stars; one submission).

Conditions:
Creatine transporter deficiency (CCDS1). Also called: Creatine Transporter (CRTR) Deficiency; Mental retardation , X-linked with seizures, short stature and midface hypoplasia; Mental retardation , X-linked, with creatine transport deficiency; X-linked creatine transporter deficiency; X-linked creatine deficiency syndrome; SLC6A8-Related Creatine Transporter Deficiency. Identifiers: Orphanet 52503, MedGen C1845862, MONDO:0010305, OMIM 300352.

Submission:

Centre for Mendelian Genomics, University Medical Centre Ljubljana
Classification: Uncertain significance for Creatine transporter deficiency. Last evaluated: 2018-11-06. Review status: criteria provided, single submitter. Criteria: ACMG Guidelines, 2015. Collection method: clinical testing. Allele origin: unknown. Affected: yes.
Comment: This variant was classified as: Uncertain significance. The available evidence on this variant's pathogenicity is insufficient or conflicting. The following ACMG criteria were applied in classifying this variant: PM2.

NM_005629.4(SLC6A8):c.1767+9C>G

Gene: SLC6A8 (solute carrier family 6 member 8; plus strand). Cytogenetic location: Xq28.
Variant type: single nucleotide variant.
Coding change: c.1767+9C>G on transcript NM_005629.4 (MANE Select); 9 bases into the intron after coding-DNA position 1767, C replaced by G.
Molecular consequence: intron variant.
Genome position (GRCh38, 1-based): chrX:153,694,898, C>G. VCF-style: chrX-153694898-C-G. GRCh37 (hg19) VCF-style: chrX-152960353-C-G.
Other names: c.1737+9C>G (NM_001142805.2); c.1422+9C>G (NM_001142806.1).
Identifiers: ClinVar variation 931328 (VCV000931328.3), dbSNP rs782076464, ClinGen allele CA1138529129.